The following is an entry in ClinVar:

ClinVar aggregate classification (germline): Uncertain significance (1 of 4 stars; one submission).

Conditions:
Inflammatory bowel disease 28. Also called: Inflammatory bowel disease 28, early onset, autosomal recessive. Identifiers: Orphanet 238569, MedGen C2751053, MONDO:0013153, OMIM 613148.

Allele frequency attached by ClinVar (database versions not stated): ExAC 0.00003; gnomAD 0.00005; gnomAD exomes 0.00005; TOPMed 0.00006.
gnomAD v4.1: 81 of 1,614,066 alleles (0.005%); highest among the groups gnomAD compares: Non-Finnish European, 0.0064%; no homozygotes.

Submission:

Labcorp Genetics (formerly Invitae), Labcorp
Classification: Uncertain significance for Inflammatory bowel disease 28. Last evaluated: 2022-07-25. Review status: criteria provided, single submitter. Criteria: Invitae Variant Classification Sherloc (09022015). Collection method: clinical testing. Allele origin: germline.
Comment: This sequence change replaces isoleucine, which is neutral and non-polar, with valine, which is neutral and non-polar, at codon 238 of the IL10RA protein (p.Ile238Val). This variant is present in population databases (rs200227183, gnomAD 0.009%). This variant has not been reported in the literature in individuals affected with IL10RA-related conditions. ClinVar contains an entry for this variant (Variation ID: 841631). Algorithms developed to predict the effect of missense changes on protein structure and function output the following: SIFT: "Tolerated"; PolyPhen-2: "Benign"; Align-GVGD: "Class C0". The valine amino acid residue is found in multiple mammalian species, which suggests that this missense change does not adversely affect protein function. In summary, the available evidence is currently insufficient to determine the role of this variant in disease. Therefore, it has been classified as a Variant of Uncertain Significance.

NM_001558.4(IL10RA):c.712A>G (p.Ile238Val)

Gene: IL10RA (interleukin 10 receptor subunit alpha; plus strand). Cytogenetic location: 11q23.3.
Variant type: single nucleotide variant.
Coding change: c.712A>G on transcript NM_001558.4 (MANE Select); coding-DNA position 712, A replaced by G.
Protein change: p.Ile238Val; replaces isoleucine 238 with valine.
Molecular consequence: missense variant. On other transcripts: non-coding transcript variant (1).
Genome position (GRCh38, 1-based): chr11:117,995,612, A>G. VCF-style: chr11-117995612-A-G. GRCh37 (hg19) VCF-style: chr11-117866327-A-G.
Other names: short protein forms I238V.
Identifiers: ClinVar variation 841631 (VCV000841631.7), dbSNP rs200227183, ClinGen allele CA6299036.
Genomic context (GRCh38, chr11:117,995,612, plus strand): 5'-GGTGACAGGCCACAAACACATCTCTCTGGGCCTGCAGATTTCACCGTGACCAACGTCATC[A>G]TCTTCTTTGCCTTTGTCCTGCTGCTCTCCGGAGCCCTCGCCTACTGCCTGGCCCTCCAGC-3'
Protein context (NP_001549.2, residues 228-248): RQYFTVTNVI[Ile238Val]FFAFVLLLSG